The following is an entry in ClinVar:

NM_031307.4(PUS3):c.518G>A (p.Arg173His)

Genes: HYLS1 (HYLS1 centriolar and ciliogenesis associated; plus strand), PUS3 (pseudouridine synthase 3; minus strand). Cytogenetic location: 11q24.2.
Variant type: single nucleotide variant.
Coding change: c.518G>A on transcript NM_031307.4 (MANE Select); coding-DNA position 518, G replaced by A.
Protein change: p.Arg173His; replaces arginine 173 with histidine.
Molecular consequence: missense variant. On other transcripts: 5 prime UTR variant (1), intron variant (5).
Genome position (GRCh38, 1-based): chr11:125,895,650, C>T on the plus strand (G>A on the coding strand, the complement: PUS3 is on the minus strand). VCF-style: chr11-125895650-C-T. GRCh37 (hg19) VCF-style: chr11-125765545-C-T.
Other names: c.-107G>A (NM_001271985.2); c.-80-3454C>T (NM_145014.3); c.-25-3694C>T (NM_001134793.2, NM_001377269.1); c.-22-3697C>T (NM_001424364.1, NM_001377270.1); short protein forms R173H.
Identifiers: ClinVar variation 1945894 (VCV001945894.5), dbSNP rs772532957, ClinGen allele CA6350499.

ClinVar aggregate classification (germline): Uncertain significance (1 of 4 stars; one submission).

Allele frequency attached by ClinVar (database versions not stated): ExAC 0.00001; gnomAD 0.00001; gnomAD exomes 0.00001; TOPMed 0.00002.
gnomAD v4.1: 8 of 1,614,082 alleles (0.0005%); highest among the groups gnomAD compares: East Asian, 0.0045%; no homozygotes.

Submission:

Labcorp Genetics (formerly Invitae), Labcorp
Classification: Uncertain significance. Last evaluated: 2024-02-24. Review status: criteria provided, single submitter. Criteria: Invitae Variant Classification Sherloc (09022015). Collection method: clinical testing. Allele origin: germline.
Comment: This sequence change replaces arginine, which is basic and polar, with histidine, which is basic and polar, at codon 173 of the PUS3 protein (p.Arg173His). This variant is present in population databases (rs772532957, gnomAD 0.0009%). This variant has not been reported in the literature in individuals affected with PUS3-related conditions. ClinVar contains an entry for this variant (Variation ID: 1945894). Advanced modeling of protein sequence and biophysical properties (such as structural, functional, and spatial information, amino acid conservation, physicochemical variation, residue mobility, and thermodynamic stability) performed at Invitae indicates that this missense variant is expected to disrupt PUS3 protein function with a positive predictive value of 80%. In summary, the available evidence is currently insufficient to determine the role of this variant in disease. Therefore, it has been classified as a Variant of Uncertain Significance.